The following is an entry in ClinVar:

NM_018089.3(ANKZF1):c.1303A>C (p.Lys435Gln)

Gene: ANKZF1 (ankyrin repeat and zinc finger peptidyl tRNA hydrolase 1; plus strand). Cytogenetic location: 2q35.
Variant type: single nucleotide variant.
Coding change: c.1303A>C on transcript NM_018089.3 (MANE Select); coding-DNA position 1303, A replaced by C.
Protein change: p.Lys435Gln; replaces lysine 435 with glutamine.
Molecular consequence: missense variant.
Genome position (GRCh38, 1-based): chr2:219,234,924, A>C. VCF-style: chr2-219234924-A-C. GRCh37 (hg19) VCF-style: chr2-220099646-A-C.
Other names: c.1303A>C, p.Lys435Gln (NM_001042410.2); c.673A>C, p.Lys225Gln (NM_001282792.2); short protein forms K435Q, K225Q.
Identifiers: ClinVar variation 1508152 (VCV001508152.6), dbSNP rs1413476202, ClinGen allele CA350680196.

ClinVar aggregate classification (germline): Uncertain significance (1 of 4 stars; one submission).

Submission:

Labcorp Genetics (formerly Invitae), Labcorp
Classification: Uncertain significance. Last evaluated: 2021-10-22. Review status: criteria provided, single submitter. Criteria: Invitae Variant Classification Sherloc (09022015). Collection method: clinical testing. Allele origin: germline.
Comment: This sequence change replaces lysine with glutamine at codon 435 of the ANKZF1 protein (p.Lys435Gln). The lysine residue is moderately conserved and there is a small physicochemical difference between lysine and glutamine. This variant is not present in population databases (ExAC no frequency). This variant has not been reported in the literature in individuals affected with ANKZF1-related conditions. Algorithms developed to predict the effect of missense changes on protein structure and function are either unavailable or do not agree on the potential impact of this missense change (SIFT: "Tolerated"; PolyPhen-2: "Possibly Damaging"; Align-GVGD: "Class C0"). In summary, the available evidence is currently insufficient to determine the role of this variant in disease. Therefore, it has been classified as a Variant of Uncertain Significance.